The following is an entry in ClinVar:

NM_004444.5(EPHB4):c.1402G>A (p.Glu468Lys)

Gene: EPHB4 (EPH receptor B4; minus strand). Cytogenetic location: 7q22.1.
Variant type: single nucleotide variant.
Coding change: c.1402G>A on transcript NM_004444.5 (MANE Select); coding-DNA position 1402, G replaced by A.
Protein change: p.Glu468Lys; replaces glutamic acid 468 with lysine.
Molecular consequence: missense variant.
Genome position (GRCh38, 1-based): chr7:100,818,540, C>T on the plus strand (G>A on the coding strand, the complement: EPHB4 is on the minus strand). VCF-style: chr7-100818540-C-T. GRCh37 (hg19) VCF-style: chr7-100416162-C-T.
Other names: c.1402G>A (NM_004444.4); short protein forms E468K.
Identifiers: ClinVar variation 2500282 (VCV002500282.2), dbSNP rs977239511, ClinGen allele CA163283987.
Genomic context (GRCh38, chr7:100,818,540, plus strand): 5'-CCCATTGCCCACCCACCCCAGGGCTGGGGGATGGCCTTACCTTCTCATGGTATTTGACCT[C>T]GTAGTCCAGCACAGCCCCACTGGGTGCCCGGGGAACAGCCCAGGCCAGGCTCAAGCTGCT-3'
Protein context (NP_004435.3, residues 458-478): RAPSGAVLDY[Glu468Lys]VKYHEKGAEG

ClinVar aggregate classification (germline): Conflicting classifications of pathogenicity. Review status: criteria provided, conflicting classifications (1 of 4 stars). 2 submissions from 2 submitters: Likely pathogenic (1); Uncertain significance (1). Last evaluated 2024-06-17.

Conditions:
Capillary malformation-arteriovenous malformation 2 (CMAVM2). Identifiers: Orphanet 693912, MedGen C4748670, MONDO:0020785, OMIM 618196.

Allele frequency attached by ClinVar (database versions not stated): gnomAD exomes below 0.00001.
gnomAD v4.1: 3 of 1,614,058 alleles (0.00019%); highest among the groups gnomAD compares: Non-Finnish European, 0.00025%; no homozygotes.

Submissions (2):

GeneDx
Classification: Uncertain significance. Last evaluated: 2024-06-17. Review status: criteria provided, single submitter. Criteria: GeneDx Variant Classification Process June 2021. Collection method: clinical testing. Allele origin: germline. Affected: yes.
Comment: Not observed at significant frequency in large population cohorts (gnomAD); In silico analysis supports that this missense variant has a deleterious effect on protein structure/function; Has not been previously published as pathogenic or benign to our knowledge

Equipe Genetique des Anomalies du Developpement, Université de Bourgogne
Classification: Likely pathogenic for Capillary malformation-arteriovenous malformation 2. Last evaluated: 2022-06-07. Review status: criteria provided, single submitter. Criteria: ACMG Guidelines, 2015. Collection method: clinical testing. Allele origin: paternal. Inheritance: Autosomal dominant inheritance. Affected: yes.